The following is an entry in ClinVar:

NM_004304.5(ALK):c.4160C>T (p.Thr1387Ile)

Gene: ALK (ALK receptor tyrosine kinase; minus strand). Cytogenetic location: 2p23.2.
Variant type: single nucleotide variant.
Coding change: c.4160C>T on transcript NM_004304.5 (MANE Select); coding-DNA position 4160, C replaced by T.
Protein change: p.Thr1387Ile; replaces threonine 1387 with isoleucine.
Molecular consequence: missense variant.
Genome position (GRCh38, 1-based): chr2:29,196,774, G>A on the plus strand (C>T on the coding strand, the complement: ALK is on the minus strand). VCF-style: chr2-29196774-G-A. GRCh37 (hg19) VCF-style: chr2-29419640-G-A.
Other names: c.956C>T, p.Thr319Ile (NM_001353765.2); short protein forms T319I, T1387I.
Identifiers: ClinVar variation 2075414 (VCV002075414.4), dbSNP rs2148141700, ClinGen allele CA346464790.

ClinVar aggregate classification (germline): Uncertain significance (1 of 4 stars; one submission).

Conditions:
Neuroblastoma, susceptibility to, 3. Also called: ALK-Related Neuroblastic Tumor Susceptibility. Identifiers: Orphanet 635, MedGen C2751681, MONDO:0013083, OMIM 613014.

Submission:

Labcorp Genetics (formerly Invitae), Labcorp
Classification: Uncertain significance for Neuroblastoma, susceptibility to, 3. Last evaluated: 2024-09-30. Review status: criteria provided, single submitter. Criteria: Invitae Variant Classification Sherloc (09022015). Collection method: clinical testing. Allele origin: germline.
Comment: This sequence change replaces threonine, which is neutral and polar, with isoleucine, which is neutral and non-polar, at codon 1387 of the ALK protein (p.Thr1387Ile). This variant is not present in population databases (gnomAD no frequency). This variant has not been reported in the literature in individuals affected with ALK-related conditions. ClinVar contains an entry for this variant (Variation ID: 2075414). An algorithm developed to predict the effect of missense changes on protein structure and function (PolyPhen-2) suggests that this variant is likely to be disruptive. In summary, the available evidence is currently insufficient to determine the role of this variant in disease. Therefore, it has been classified as a Variant of Uncertain Significance.